The following is an entry in ClinVar:

ClinVar aggregate classification (germline): Uncertain significance. Review status: criteria provided, multiple submitters, no conflicts (2 of 4 stars). 4 submissions from 3 submitters: Uncertain significance (4). Last evaluated 2024-02-21.

Conditions:
Muscular dystrophy-dystroglycanopathy (congenital with brain and eye anomalies), type A6. Also called: MUSCULAR DYSTROPHY-DYSTROGLYCANOPATHY (CONGENITAL WITH BRAIN AND EYE ANOMALIES), TYPE A, 6; WALKER-WARBURG SYNDROME OR MUSCLE-EYE-BRAIN DISEASE, LARGE-RELATED. Identifiers: Orphanet 588, Orphanet 899, MedGen C3150414, MONDO:0013158, OMIM 613154.
Muscular dystrophy-dystroglycanopathy type B6 (MDDGB6). Also called: MUSCULAR DYSTROPHY-DYSTROGLYCANOPATHY (CONGENITAL WITH IMPAIRED INTELLECTUAL DEVELOPMENT), TYPE B, 6; MUSCULAR DYSTROPHY, CONGENITAL, LARGE-RELATED; MUSCULAR DYSTROPHY, CONGENITAL, TYPE 1D. Identifiers: MedGen C1837229, MONDO:0012138, OMIM 608840.

Allele frequency attached by ClinVar (database versions not stated): ExAC 0.00008; gnomAD exomes 0.00008; gnomAD 0.00011; TOPMed 0.00012; ESP Exome Variant Server 0.00015; 1000 Genomes Project 30x 0.00016; 1000 Genomes Project 0.00020.
gnomAD v4.1: 91 of 1,614,054 alleles (0.0056%); highest among the groups gnomAD compares: African/African-American, 0.032%; no homozygotes.

Submissions (4):

Revvity Omics, Revvity
Classification: Uncertain significance. Last evaluated: 2024-02-21. Review status: criteria provided, single submitter. Criteria: ACMG Guidelines, 2015. Collection method: clinical testing. Allele origin: germline.

Labcorp Genetics (formerly Invitae), Labcorp
Classification: Uncertain significance for Muscular dystrophy-dystroglycanopathy type B6. Last evaluated: 2022-10-13. Review status: criteria provided, single submitter. Criteria: Invitae Variant Classification Sherloc (09022015). Collection method: clinical testing. Allele origin: germline.
Comment: This sequence change replaces valine, which is neutral and non-polar, with isoleucine, which is neutral and non-polar, at codon 154 of the LARGE1 protein (p.Val154Ile). This variant is present in population databases (rs138938225, gnomAD 0.04%). This variant has not been reported in the literature in individuals affected with LARGE1-related conditions. ClinVar contains an entry for this variant (Variation ID: 902109). Advanced modeling of protein sequence and biophysical properties (such as structural, functional, and spatial information, amino acid conservation, physicochemical variation, residue mobility, and thermodynamic stability) performed at Invitae indicates that this missense variant is not expected to disrupt LARGE1 protein function. In summary, the available evidence is currently insufficient to determine the role of this variant in disease. Therefore, it has been classified as a Variant of Uncertain Significance.

Illumina Laboratory Services, Illumina
Classification: Uncertain significance for Muscular dystrophy-dystroglycanopathy (congenital with brain and eye anomalies), type A6. Last evaluated: 2017-04-27. Review status: criteria provided, single submitter. Criteria: ICSL Variant Classification Criteria 13 December 2019. Collection method: clinical testing. Allele origin: germline.

Illumina Laboratory Services, Illumina
Classification: Uncertain significance for Muscular dystrophy-dystroglycanopathy type B6. Last evaluated: 2017-04-27. Review status: criteria provided, single submitter. Criteria: ICSL Variant Classification Criteria 13 December 2019. Collection method: clinical testing. Allele origin: germline.

NM_133642.5(LARGE1):c.460G>A (p.Val154Ile)

Gene: LARGE1 (LARGE xylosyl- and glucuronyltransferase 1; minus strand). Cytogenetic location: 22q12.3.
Variant type: single nucleotide variant.
Coding change: c.460G>A on transcript NM_133642.5 (MANE Select); coding-DNA position 460, G replaced by A.
Protein change: p.Val154Ile; replaces valine 154 with isoleucine.
Molecular consequence: missense variant.
Genome position (GRCh38, 1-based): chr22:33,626,275, C>T on the plus strand (G>A on the coding strand, the complement: LARGE1 is on the minus strand). VCF-style: chr22-33626275-C-T. GRCh37 (hg19) VCF-style: chr22-34022259-C-T.
Other names: c.460G>A (NM_004737.6); c.460G>A, p.Val154Ile (NM_001362949.2, NM_001362951.2, NM_001362953.2 and 7 more transcripts); short protein forms V154I.
Identifiers: ClinVar variation 902109 (VCV000902109.9), dbSNP rs138938225, ClinGen allele CA10203038.
Genomic context (GRCh38, chr22:33,626,275, plus strand): 5'-AGCCCACACAGCACAGAAGTTGTTCTTACCTATGGAACAGGACGGATTTGACCAGGGTGA[C>T]GACATCCCGGCTGGCATTGTATCCGGCGCAGACAATAGCAACGTGGATTGTCTGGGAAGA-3'
Protein context (NP_598397.1, residues 144-164): CAGYNASRDV[Val154Ile]TLVKSVLFHR